The following is an entry in ClinVar:

NM_000334.4(SCN4A):c.4294G>C (p.Ala1432Pro)

Genes: GH-LCR (growth hormone locus control region; plus strand), SCN4A (sodium voltage-gated channel alpha subunit 4; minus strand). Cytogenetic location: 17q23.3.
Variant type: single nucleotide variant.
Coding change: c.4294G>C on transcript NM_000334.4 (MANE Select); coding-DNA position 4294, G replaced by C.
Protein change: p.Ala1432Pro; replaces alanine 1432 with proline.
Molecular consequence: missense variant.
Genome position (GRCh38, 1-based): chr17:63,941,988, C>G on the plus strand (G>C on the coding strand, the complement: SCN4A is on the minus strand). VCF-style: chr17-63941988-C-G. GRCh37 (hg19) VCF-style: chr17-62019348-C-G.
Other names: short protein forms A1432P.
Identifiers: ClinVar variation 855615 (VCV000855615.17), dbSNP rs1383238269, ClinGen allele CA400616290.

ClinVar aggregate classification (germline): Uncertain significance (1 of 4 stars; one submission).

Conditions:
Hyperkalemic periodic paralysis. Also called: Familial hyperkalemic periodic paralysis; Gamstorp disease. Identifiers: Orphanet 682, MedGen C0238357, MONDO:0008224, OMIM 170500, HP:0007215.

Submission:

Labcorp Genetics (formerly Invitae), Labcorp
Classification: Uncertain significance for Hyperkalemic periodic paralysis. Last evaluated: 2020-03-04. Review status: criteria provided, single submitter. Criteria: Invitae Variant Classification Sherloc (09022015). Collection method: clinical testing. Allele origin: germline.
Comment: Algorithms developed to predict the effect of missense changes on protein structure and function are either unavailable or do not agree on the potential impact of this missense change (SIFT: "Deleterious"; PolyPhen-2: "Possibly Damaging"; Align-GVGD: "Class C0"). In summary, the available evidence is currently insufficient to determine the role of this variant in disease. Therefore, it has been classified as a Variant of Uncertain Significance. This variant has not been reported in the literature in individuals with SCN4A-related conditions. This variant is not present in population databases (ExAC no frequency). This sequence change replaces alanine with proline at codon 1432 of the SCN4A protein (p.Ala1432Pro). The alanine residue is highly conserved and there is a small physicochemical difference between alanine and proline.